The following is an entry in ClinVar:

ClinVar aggregate classification (germline): Uncertain significance. Review status: criteria provided, multiple submitters, no conflicts (2 of 4 stars). 2 submissions from 2 submitters: Uncertain significance (2). Last evaluated 2024-11-25.

gnomAD v4.1: 82 of 1,508,352 alleles (0.0054%); highest among the groups gnomAD compares: Non-Finnish European, 0.0072%; no homozygotes.

Submissions (2):

Mayo Clinic Laboratories, Mayo Clinic
Classification: Uncertain significance. Last evaluated: 2024-11-25. Review status: criteria provided, single submitter. Criteria: ACMG Guidelines, 2015. Collection method: clinical testing. Allele origin: germline. Observed: 1 variant allele.
Comment: BP4, PM2_supporting

Revvity Omics, Revvity
Classification: Uncertain significance. Last evaluated: 2024-08-22. Review status: criteria provided, single submitter. Criteria: ACMG Guidelines, 2015. Collection method: clinical testing. Allele origin: germline.

NM_001142864.4(PIEZO1):c.2183A>C (p.Gln728Pro)

Genes: HSALR1 (HSP90AB1 associated lncRNA 1; plus strand), PIEZO1 (piezo type mechanosensitive ion channel component 1 (Er blood group); minus strand). Cytogenetic location: 16q24.3.
Variant type: single nucleotide variant.
Coding change: c.2183A>C on transcript NM_001142864.4 (MANE Select); coding-DNA position 2183, A replaced by C.
Protein change: p.Gln728Pro; replaces glutamine 728 with proline.
Molecular consequence: missense variant.
Genome position (GRCh38, 1-based): chr16:88,734,052, T>G on the plus strand (A>C on the coding strand, the complement: PIEZO1 is on the minus strand). VCF-style: chr16-88734052-T-G. GRCh37 (hg19) VCF-style: chr16-88800460-T-G.
Other names: p.Gln728Pro; short protein forms Q728P.
Identifiers: ClinVar variation 4079588 (VCV004079588.2).